The following is an entry in ClinVar:

ClinVar aggregate classification (germline): Uncertain significance (1 of 4 stars; one submission).

Submission:

GeneDx
Classification: Uncertain significance. Last evaluated: 2022-05-23. Review status: criteria provided, single submitter. Criteria: GeneDx Variant Classification Process June 2021. Collection method: clinical testing. Allele origin: germline. Affected: yes.
Comment: Not observed at significant frequency in large population cohorts (gnomAD); Missense variants in this gene are often considered pathogenic (HGMD); In silico analysis supports that this missense variant has a deleterious effect on protein structure/function; Has not been previously published as pathogenic or benign to our knowledge

NM_004333.6(BRAF):c.1258C>T (p.Pro420Ser)

Gene: BRAF (B-Raf proto-oncogene, serine/threonine kinase; minus strand). Cytogenetic location: 7q34.
Variant type: single nucleotide variant.
Coding change: c.1258C>T on transcript NM_004333.6 (MANE Select); coding-DNA position 1258, C replaced by T.
Protein change: p.Pro420Ser; replaces proline 420 with serine.
Molecular consequence: missense variant.
Genome position (GRCh38, 1-based): chr7:140,783,077, G>A on the plus strand (C>T on the coding strand, the complement: BRAF is on the minus strand). VCF-style: chr7-140783077-G-A. GRCh37 (hg19) VCF-style: chr7-140482877-G-A.
Other names: c.1258C>T, p.Pro420Ser (NM_001354609.2, NM_001378468.1, NM_001378474.1); c.1378C>T, p.Pro460Ser (NM_001374244.1, NM_001374258.1); c.1267C>T, p.Pro423Ser (NM_001378467.1); c.1192C>T, p.Pro398Ser (NM_001378469.1); c.1156C>T, p.Pro386Ser (NM_001378470.1); c.1147C>T, p.Pro383Ser (NM_001378471.1); c.1102C>T, p.Pro368Ser (NM_001378472.1, NM_001378473.1); c.994C>T, p.Pro332Ser (NM_001378475.1); short protein forms P332S, P368S, P383S, P386S, P398S, P420S, P423S, P460S.
Identifiers: ClinVar variation 1800978 (VCV001800978.1), dbSNP rs2536185735, ClinGen allele CA369589406.